The following is an entry in ClinVar:

ClinVar aggregate classification (germline): Pathogenic (1 of 4 stars; one submission).

Conditions:
Hereditary spastic paraplegia 11. Also called: Spastic paraplegia, mental retardation and thin corpus callosum; SPASTIC PARAPLEGIA, AUTOSOMAL RECESSIVE, COMPLICATED, WITH THIN CORPUS CALLOSUM; SPASTIC PARAPLEGIA, AUTOSOMAL RECESSIVE, WITH MENTAL IMPAIRMENT AND THIN CORPUS CALLOSUM; Spastic Paraplegia 11; Nakamura Osame syndrome; Autosomal recessive hereditary spastic paraplegia, mental impairment, and thin corpus callosum. Identifiers: Orphanet 2822, MedGen C1858479, MONDO:0011445, OMIM 604360.

Submission:

Labcorp Genetics (formerly Invitae), Labcorp
Classification: Pathogenic for Hereditary spastic paraplegia 11. Last evaluated: 2015-07-17. Review status: criteria provided, single submitter. Criteria: Invitae Variant Classification Sherloc (09022015). Collection method: clinical testing. Allele origin: germline.
Comment: For these reasons, this variant has been classified as Pathogenic. This sequence change deletes one nucleotide in exon 13 of the SPG11 mRNA (c.2331delA), causing a frameshift at codon 778. This creates a premature translational stop signal (p.Glu778Lysfs*13) and is expected to result in an absent or disrupted protein product. While this particular variant has not been reported in the literature, truncating variants in SPG11 are known to be pathogenic (PMID: 18079167).

Literature cited by the submitters: PubMed 18079167.

NM_025137.4(SPG11):c.2331del (p.Glu778fs)

Gene: SPG11 (SPG11 vesicle trafficking associated, spatacsin; minus strand). Cytogenetic location: 15q21.1.
Variant type: Deletion.
Coding change: c.2331del on transcript NM_025137.4 (MANE Select); coding-DNA position 2331, one base deleted (A; older notation c.2331delA).
Protein change: p.Glu778fs; shifts the reading frame from glutamic acid 778.
Molecular consequence: frameshift variant.
Genome position (GRCh38, 1-based): chr15:44,622,333, T deleted on the plus strand (A on the coding strand, the reverse complement: SPG11 is on the minus strand); the first of 4 consecutive T bases (chr15:44,622,333-44,622,336); deleting any one gives the same sequence. VCF-style (leftmost placement, unchanged base first): chr15-44622332-CT-C. GRCh37 (hg19) VCF-style: chr15-44914530-CT-C.
Other names: c.2331del, p.Glu778fs (NM_001160227.2); short protein forms E778fs.
Identifiers: ClinVar variation 216127 (VCV000216127.8), dbSNP rs863224524, ClinGen allele CA336745.